The following is an entry in ClinVar:

NM_005751.5(AKAP9):c.2612T>C (p.Leu871Pro)

Gene: AKAP9 (A-kinase anchoring protein 9; plus strand). Cytogenetic location: 7q21.2.
Variant type: single nucleotide variant.
Coding change: c.2612T>C on transcript NM_005751.5 (MANE Select); coding-DNA position 2612, T replaced by C.
Protein change: p.Leu871Pro; replaces leucine 871 with proline.
Molecular consequence: missense variant.
Genome position (GRCh38, 1-based): chr7:92,002,529, T>C. VCF-style: chr7-92002529-T-C. GRCh37 (hg19) VCF-style: chr7-91631843-T-C.
Other names: c.2612T>C, p.Leu871Pro (NM_147185.3); short protein forms L871P.
Identifiers: ClinVar variation 2002989 (VCV002002989.5), dbSNP rs1298751672, ClinGen allele CA368124529.

ClinVar aggregate classification (germline): Uncertain significance. Review status: criteria provided, multiple submitters, no conflicts (2 of 4 stars). 2 submissions from 2 submitters: Uncertain significance (2). Last evaluated 2024-10-07.

Conditions:
Cardiovascular phenotype. Identifiers: MedGen CN230736.
Long QT syndrome (LQTS). Identifiers: MedGen C0023976, MeSH D008133, MONDO:0002442. Disease mechanism: loss of function. Inheritance: Various modes of inheritance.

Allele frequency attached by ClinVar (database versions not stated): TOPMed below 0.00001; gnomAD 0.00001.

Submissions (2):

Ambry Genetics
Classification: Uncertain significance for Cardiovascular phenotype. Last evaluated: 2024-10-07. Review status: criteria provided, single submitter. Criteria: Ambry Variant Classification Scheme 2023. Collection method: clinical testing. Allele origin: germline.
Comment: The p.L871P variant (also known as c.2612T>C), located in coding exon 8 of the AKAP9 gene, results from a T to C substitution at nucleotide position 2612. The leucine at codon 871 is replaced by proline, an amino acid with similar properties. This amino acid position is conserved. In addition, the in silico prediction for this alteration is inconclusive. Based on the available evidence, the clinical significance of this variant remains unclear.

Labcorp Genetics (formerly Invitae), Labcorp
Classification: Uncertain significance for Long QT syndrome. Last evaluated: 2022-06-07. Review status: criteria provided, single submitter. Criteria: Invitae Variant Classification Sherloc (09022015). Collection method: clinical testing. Allele origin: germline.
Comment: Algorithms developed to predict the effect of missense changes on protein structure and function are either unavailable or do not agree on the potential impact of this missense change (SIFT: "Deleterious"; PolyPhen-2: "Probably Damaging"; Align-GVGD: "Class C0"). This sequence change replaces leucine, which is neutral and non-polar, with proline, which is neutral and non-polar, at codon 871 of the AKAP9 protein (p.Leu871Pro). This variant is present in population databases (no rsID available, gnomAD 0.01%). This variant has not been reported in the literature in individuals affected with AKAP9-related conditions. In summary, the available evidence is currently insufficient to determine the role of this variant in disease. Therefore, it has been classified as a Variant of Uncertain Significance.